The following is an entry in ClinVar:

ClinVar aggregate classification (germline): Conflicting classifications of pathogenicity. Review status: criteria provided, conflicting classifications (1 of 4 stars). 2 submissions from 2 submitters: Likely pathogenic (1); Uncertain significance (1). Last evaluated 2025-11-23.

Conditions:
Maple syrup urine disease (MSUD). Identifiers: Orphanet 511, MedGen C0024776, MeSH D008375, MONDO:0009563. Disease mechanism: loss of function.

Allele frequency attached by ClinVar (database versions not stated): gnomAD exomes 0.00001 and 0.00002; ExAC 0.00002.

Submissions (2):

Labcorp Genetics (formerly Invitae), Labcorp
Classification: Likely pathogenic for Maple syrup urine disease. Last evaluated: 2025-11-23. Review status: criteria provided, single submitter. Criteria: Invitae Variant Classification Sherloc (09022015). Collection method: clinical testing. Allele origin: germline.
Comment: This sequence change affects the initiator codon of the DBT mRNA. This change may impact translation initiation or efficiency. The next in-frame methionine is located at codon 6. This variant is present in population databases (rs759312184, gnomAD 0.01%). Disruption of the initiator codon has been observed in individual(s) with maple syrup urine disease (PMID: 26453840). ClinVar contains an entry for this variant (Variation ID: 1457729). In summary, the currently available evidence indicates that the variant is pathogenic, but additional data are needed to prove that conclusively. Therefore, this variant has been classified as Likely Pathogenic.

Women's Health and Genetics/Laboratory Corporation of America, LabCorp
Classification: Uncertain significance. Last evaluated: 2023-05-05. Review status: criteria provided, single submitter. Criteria: LabCorp Variant Classification Summary - May 2015. Collection method: clinical testing. Allele origin: germline.
Comment: Variant summary: DBT c.1A>G (p.Met1Val) alters the initiation codon and is predicted to result either in absence of the protein or truncation of the encoded protein due to translation initiation at a downstream codon. The variant allele was found at a frequency of 2e-05 in 251196 control chromosomes. c.1A>G has been reported in the literature in individuals affected with Maple Syrup Urine Disease (Li_2015). These data indicate that the variant may be associated with disease. To our knowledge, no experimental evidence demonstrating an impact on protein function has been reported. The following publication have been ascertained in the context of this evaluation (PMID: 26453840). One clinical diagnostic laboratory has submitted clinical-significance assessments for this variant to ClinVar after 2014 without evidence for independent evaluation and classified the variant as pathogenic. No pathogenic variant has been reported between Met1 and next in-frame initiation codon (Met6). Based on the evidence outlined above, the variant was classified as VUS-possibly pathogenic.

Literature cited by the submitters: PubMed 26453840 (cited by Labcorp Genetics (formerly Invitae), Labcorp and Women's Health and Genetics/Laboratory Corporation of America, LabCorp).

NM_001918.5(DBT):c.1A>G (p.Met1Val)

Gene: DBT (dihydrolipoamide branched chain transacylase E2; minus strand). Cytogenetic location: 1p21.2.
Variant type: single nucleotide variant.
Coding change: c.1A>G on transcript NM_001918.5 (MANE Select); coding-DNA position 1, A replaced by G.
Protein change: p.Met1Val; changes the start codon (methionine 1).
Molecular consequence: missense variant, initiator codon variant.
Genome position (GRCh38, 1-based): chr1:100,249,820, T>C on the plus strand (A>G on the coding strand, the complement: DBT is on the minus strand). VCF-style: chr1-100249820-T-C. GRCh37 (hg19) VCF-style: chr1-100715376-T-C.
Other names: c.1A>G (NM_001918.3); short protein forms M1V.
Identifiers: ClinVar variation 1457729 (VCV001457729.9), dbSNP rs759312184, ClinGen allele CA969877.